The following is an entry in ClinVar:

ClinVar aggregate classification (germline): Uncertain significance. Review status: criteria provided, multiple submitters, no conflicts (2 of 4 stars). 4 submissions from 4 submitters: Uncertain significance (3). 1 of the submissions does not count toward it. Last evaluated 2026-01-12.

Conditions:
MARS1-related disorder. Also called: MARS1-related condition.
Distal spinal muscular atrophy. Also called: Distal hereditary motor neuropathy; Distal hereditary motor neuronopathy. Identifiers: Orphanet 53739, MedGen C0393541, MONDO:0018894.
Charcot-Marie-Tooth disease axonal type 2U. Also called: CHARCOT-MARIE-TOOTH NEUROPATHY, TYPE 2U; CHARCOT-MARIE-TOOTH DISEASE, AXONAL, AUTOSOMAL DOMINANT, TYPE 2U. Identifiers: Orphanet 397735, MedGen C4084821, MONDO:0014566, OMIM 616280.
Severe early-onset pulmonary alveolar proteinosis due to MARS deficiency. Also called: PULMONARY ALVEOLAR PROTEINOSIS, REUNION ISLAND; Interstitial lung and liver disease. Identifiers: Orphanet 440427, MedGen C4225400, MONDO:0014206, OMIM 615486.

Allele frequency attached by ClinVar (database versions not stated): 1000 Genomes Project 30x 0.00016; 1000 Genomes Project 0.00020; ESP Exome Variant Server 0.00038; TOPMed 0.00041; gnomAD 0.00042 and 0.00044; gnomAD exomes 0.00005 and 0.00012; ExAC 0.00010.
gnomAD v4.1: 139 of 1,613,998 alleles (0.0086%); highest among the groups gnomAD compares: African/African-American, 0.13%; 1 homozygote.

Submissions (4):

PreventionGenetics, part of Exact Sciences
Classification: Uncertain significance for MARS1-related condition. Last evaluated: 2026-01-12. Review status: criteria provided, single submitter. Criteria: ACMG Guidelines, 2015. Collection method: clinical testing. Allele origin: germline.
Comment: The MARS1 c.746C>T variant is predicted to result in the amino acid substitution p.Pro249Leu. To our knowledge, this variant has not been reported in the literature. This variant is reported in 0.13% of alleles in individuals of African descent in gnomAD. Although we suspect that this variant may be benign, at this time, the clinical significance of this variant is uncertain due to the absence of conclusive functional and genetic evidence.

Labcorp Genetics (formerly Invitae), Labcorp
Classification: Uncertain significance for Charcot-Marie-Tooth disease axonal type 2U; Severe early-onset pulmonary alveolar proteinosis due to MARS deficiency. Last evaluated: 2025-12-01. Review status: criteria provided, single submitter. Criteria: Invitae Variant Classification Sherloc (09022015). Collection method: clinical testing. Allele origin: germline.
Comment: This sequence change replaces proline, which is neutral and non-polar, with leucine, which is neutral and non-polar, at codon 249 of the MARS protein (p.Pro249Leu). This variant is present in population databases (rs146146070, gnomAD 0.1%). This variant has not been reported in the literature in individuals affected with MARS-related conditions. ClinVar contains an entry for this variant (Variation ID: 549700). An algorithm developed to predict the effect of missense changes on protein structure and function (PolyPhen-2) suggests that this variant is likely to be tolerated. In summary, the available evidence is currently insufficient to determine the role of this variant in disease. Therefore, it has been classified as a Variant of Uncertain Significance.

Ambry Genetics
Classification: Uncertain significance. Last evaluated: 2023-10-30. Review status: criteria provided, single submitter. Criteria: Ambry Variant Classification Scheme 2023. Collection method: clinical testing. Allele origin: germline.

Institute of Human Genetics, Cologne University
Classification: Uncertain significance for Distal spinal muscular atrophy. Last evaluated: 2018-04-26. Review status: no assertion criteria provided. Collection method: clinical testing. Allele origin: unknown. Affected: yes. Not counted in ClinVar's aggregate classification.

NM_004990.4(MARS1):c.746C>T (p.Pro249Leu)

Gene: MARS1 (methionyl-tRNA synthetase 1; plus strand). Cytogenetic location: 12q13.3.
Variant type: single nucleotide variant.
Coding change: c.746C>T on transcript NM_004990.4 (MANE Select); coding-DNA position 746, C replaced by T.
Protein change: p.Pro249Leu; replaces proline 249 with leucine.
Molecular consequence: missense variant.
Genome position (GRCh38, 1-based): chr12:57,490,620, C>T. VCF-style: chr12-57490620-C-T. GRCh37 (hg19) VCF-style: chr12-57884403-C-T.
Other names: short protein forms P249L.
Identifiers: ClinVar variation 549700 (VCV000549700.11), dbSNP rs146146070, ClinGen allele CA6650269.